The following is an entry in ClinVar:

NM_025114.4(CEP290):c.4030-14A>G

Gene: CEP290 (centrosomal protein 290; minus strand). Cytogenetic location: 12q21.32.
Variant type: single nucleotide variant.
Coding change: c.4030-14A>G on transcript NM_025114.4 (MANE Select); 14 bases into the intron before coding-DNA position 4030, A replaced by G.
Molecular consequence: intron variant.
Genome position (GRCh38, 1-based): chr12:88,087,958, T>C on the plus strand (A>G on the coding strand, the complement: CEP290 is on the minus strand). VCF-style: chr12-88087958-T-C. GRCh37 (hg19) VCF-style: chr12-88481735-T-C.
Identifiers: ClinVar variation 1507013 (VCV001507013.7), dbSNP rs910563325, ClinGen allele CA241163053.
Genomic context (GRCh38, chr12:88,087,958, plus strand): 5'-AGTTCTTGAAGACGAAGTTCTTCTATTTTCATATGCCAGTTGATTACCTAAGATTTACAA[T>C]TTATATACACAAATATAAATGCTATATTAACAAATAACATTCCTCCATTGATGATAATGA-3'

ClinVar aggregate classification (germline): Uncertain significance. Review status: criteria provided, multiple submitters, no conflicts (2 of 4 stars). 3 submissions from 3 submitters: Uncertain significance (3). Last evaluated 2026-03-26.

Conditions:
Joubert syndrome 5 (JBTS5). Identifiers: Orphanet 2318, MedGen C1857780, MONDO:0012432, OMIM 610188.
Bardet-Biedl syndrome 14 (BBS14). Identifiers: Orphanet 110, MedGen C2673874, MONDO:0014442, OMIM 615991.
Meckel syndrome, type 4 (MKS4). Also called: MECKEL-GRUBER SYNDROME, TYPE 4. Identifiers: Orphanet 564, MedGen C1970161, MONDO:0012626, OMIM 611134.
Senior-Loken syndrome 6 (SLSN6). Identifiers: Orphanet 3156, MedGen C1857779, MONDO:0012433, OMIM 610189.
Leber congenital amaurosis 10 (LCA10). Identifiers: Orphanet 65, MedGen C1857821, MONDO:0012723, OMIM 611755.
CEP290-related ciliopathy. Also called: CEP290 ciliopathy. Identifiers: MedGen CN305601, MONDO:0100451.
Nephronophthisis. Also called: Juvenile Nephronophthisis. Identifiers: Orphanet 655, MedGen C0687120, MONDO:0019005, HP:0000090.
Joubert syndrome. Also called: Familial aplasia of the vermis; JOUBERT-BOLTSHAUSER SYNDROME. Identifiers: Orphanet 475, MedGen C5979921, MONDO:0018772.
Meckel-Gruber syndrome. Also called: Dysencephalia splachnocystica; DYSENCEPHALIA SPLANCHNOCYSTICA; GRUBER SYNDROME. Identifiers: Orphanet 564, MedGen C0265215, MONDO:0018921.

Allele frequency attached by ClinVar (database versions not stated): gnomAD 0.00002; TOPMed 0.00003.

Submissions (3):

Myriad Genetics, Inc.
Classification: Uncertain significance for CEP290-related ciliopathy. Last evaluated: 2026-03-26. Review status: criteria provided, single submitter. Criteria: Myriad Autosomal Dominant, Autosomal Recessive and X-Linked Classification Criteria (2023). Collection method: clinical testing. Allele origin: unknown.
Comment: NM_025114.3(CEP290):c.4030-14A>G is an intronic variant classified as a variant of uncertain significance in the context of CEP290-related disorders. c.4030-14A>G has been observed in a case with relevant disease (PMID: 37230223). Relevant functional assessments of this variant are not available in the literature. c.4030-14A>G has not been observed in referenced population frequency databases. In summary, there is insufficient evidence to classify NM_025114.3(CEP290):c.4030-14A>G as pathogenic or benign. Please note: this variant was assessed in the context of healthy population screening.

Labcorp Genetics (formerly Invitae), Labcorp
Classification: Uncertain significance for Joubert syndrome; Meckel-Gruber syndrome; Nephronophthisis. Last evaluated: 2022-03-10. Review status: criteria provided, single submitter. Criteria: Invitae Variant Classification Sherloc (09022015). Collection method: clinical testing. Allele origin: germline.
Comment: This sequence change falls in intron 31 of the CEP290 gene. It does not directly change the encoded amino acid sequence of the CEP290 protein. This variant is not present in population databases (gnomAD no frequency). This variant has not been reported in the literature in individuals affected with CEP290-related conditions. Algorithms developed to predict the effect of sequence changes on RNA splicing suggest that this variant may disrupt the consensus splice site. In summary, the available evidence is currently insufficient to determine the role of this variant in disease. Therefore, it has been classified as a Variant of Uncertain Significance.

Fulgent Genetics
Classification: Uncertain significance for Joubert syndrome 5; Senior-Loken syndrome 6; Meckel syndrome, type 4; Leber congenital amaurosis 10; Bardet-Biedl syndrome 14. Last evaluated: 2021-10-26. Review status: criteria provided, single submitter. Criteria: ACMG Guidelines, 2015. Collection method: clinical testing. Allele origin: unknown.

Literature cited by the submitters: PubMed 37230223 (cited by Myriad Genetics, Inc.).